The following is an entry in ClinVar:

ClinVar aggregate classification (germline): Uncertain significance. Review status: criteria provided, multiple submitters, no conflicts (2 of 4 stars). 2 submissions from 2 submitters: Uncertain significance (2). Last evaluated 2025-12-29.

Conditions:
Inborn genetic diseases. Identifiers: MedGen C0950123, MeSH D030342.

Allele frequency attached by ClinVar (database versions not stated): gnomAD exomes below 0.00001.
gnomAD v4.1: 2 of 1,613,782 alleles (0.00012%); highest among the groups gnomAD compares: Non-Finnish European, 0.00017%; no homozygotes.

Submissions (2):

Center for Genomic Medicine, Rigshospitalet, Copenhagen University Hospital
Classification: Uncertain significance. Last evaluated: 2025-12-29. Review status: criteria provided, single submitter. Criteria: ACMG Guidelines, 2015. Collection method: clinical testing. Allele origin: germline.

Ambry Genetics
Classification: Uncertain significance for Inborn genetic diseases. Last evaluated: 2024-09-15. Review status: criteria provided, single submitter. Criteria: Ambry Variant Classification Scheme 2023. Collection method: clinical testing. Allele origin: germline.
Comment: The p.E374G variant (also known as c.1121A>G), located in coding exon 10 of the ACD gene, results from an A to G substitution at nucleotide position 1121. The glutamic acid at codon 374 is replaced by glycine, an amino acid with similar properties. This amino acid position is conserved. In addition, this alteration is predicted to be tolerated by in silico analysis. Since supporting evidence is limited at this time, the clinical significance of this alteration remains unclear.

NM_001082486.2(ACD):c.863A>G (p.Glu288Gly)

Gene: ACD (ACD shelterin complex subunit and telomerase recruitment factor; minus strand). Cytogenetic location: 16q22.1.
Variant type: single nucleotide variant.
Coding change: c.863A>G on transcript NM_001082486.2 (MANE Select); coding-DNA position 863, A replaced by G.
Protein change: p.Glu288Gly; replaces glutamic acid 288 with glycine.
Molecular consequence: missense variant.
Genome position (GRCh38, 1-based): chr16:67,658,329, T>C on the plus strand (A>G on the coding strand, the complement: ACD is on the minus strand). VCF-style: chr16-67658329-T-C. GRCh37 (hg19) VCF-style: chr16-67692232-T-C.
Other names: c.776A>G, p.Glu259Gly (NM_001410884.1); c.854A>G, p.Glu285Gly (NM_022914.3); short protein forms E288G, E285G, E259G.
Identifiers: ClinVar variation 1797843 (VCV001797843.4), dbSNP rs2543599737, ClinGen allele CA396352955.